The following is an entry in ClinVar:

ClinVar aggregate classification (germline): Pathogenic (1 of 4 stars; one submission).

Conditions:
GM3 synthase deficiency (SPDRS). Also called: AMISH INFANTILE EPILEPSY SYNDROME; SALT AND PEPPER MENTAL RETARDATION SYNDROME; SALT AND PEPPER DEVELOPMENTAL REGRESSION SYNDROME. Identifiers: Orphanet 171714, Orphanet 370933, MedGen C1836824, MONDO:0018274, OMIM 609056.

Submission:

3billion
Classification: Pathogenic for GM3 synthase deficiency. Last evaluated: 2024-08-15. Review status: criteria provided, single submitter. Criteria: ACMG Guidelines, 2015. Collection method: clinical testing. Allele origin: germline. Affected: yes.
Comment: The variant is not observed in the gnomAD v4.0.0 dataset. Predicted Consequence/Location: Frameshift: predicted to result in a loss or disruption of normal protein function through nonsense-mediated decay (NMD) or protein truncation. Multiple pathogenic variants are reported downstream of the variant. Therefore, this variant is classified as Pathogenic according to the recommendation of ACMG/AMP guideline.

NM_003896.4(ST3GAL5):c.422dup (p.Leu141fs)

Gene: ST3GAL5 (ST3 beta-galactoside alpha-2,3-sialyltransferase 5; minus strand). Cytogenetic location: 2p11.2.
Variant type: Duplication.
Coding change: c.422dup on transcript NM_003896.4 (MANE Select); coding-DNA position 422, one base duplicated (T; older notation c.422dupT).
Protein change: p.Leu141fs; shifts the reading frame from leucine 141.
Molecular consequence: frameshift variant. On other transcripts: 5 prime UTR variant (1).
Genome position (GRCh38, 1-based): chr2:85,848,101, A duplicated on the plus strand (T on the coding strand, the reverse complement: ST3GAL5 is on the minus strand); the first of 2 consecutive A bases (chr2:85,848,101-85,848,102); duplicating either gives the same sequence. VCF-style (leftmost placement, unchanged base first): chr2-85848100-T-TA. GRCh37 (hg19) VCF-style: chr2-86075223-T-TA.
Other names: c.38dup, p.Leu13fs (NM_001354226.2, NM_001354233.2, NM_001354234.1 and 3 more transcripts); c.338dup, p.Leu113fs (NM_001354227.2, NM_001354229.2, NM_001354238.1); c.-483dup (NM_001354247.1); c.422dup, p.Leu141fs (NM_001363847.1); c.353dup, p.Leu118fs (NM_001042437.2); short protein forms L113fs, L118fs, L13fs, L141fs.
Identifiers: ClinVar variation 4291817 (VCV004291817.1).